The following is an entry in ClinVar:

ClinVar aggregate classification (germline): Uncertain significance (1 of 4 stars; one submission).

Conditions:
Aicardi-Goutieres syndrome 5. Identifiers: Orphanet 51, MedGen C2749659, MONDO:0013059, OMIM 612952.

Submission:

Labcorp Genetics (formerly Invitae), Labcorp
Classification: Uncertain significance for Aicardi-Goutieres syndrome 5. Last evaluated: 2023-08-04. Review status: criteria provided, single submitter. Criteria: Invitae Variant Classification Sherloc (09022015). Collection method: clinical testing. Allele origin: germline.
Comment: In summary, the available evidence is currently insufficient to determine the role of this variant in disease. Therefore, it has been classified as a Variant of Uncertain Significance. An algorithm developed to predict the effect of missense changes on protein structure and function (PolyPhen-2) suggests that this variant is likely to be disruptive. ClinVar contains an entry for this variant (Variation ID: 1436782). This variant has not been reported in the literature in individuals affected with SAMHD1-related conditions. This variant is not present in population databases (gnomAD no frequency). This sequence change replaces arginine, which is basic and polar, with histidine, which is basic and polar, at codon 12 of the SAMHD1 protein (p.Arg12His).

NM_015474.4(SAMHD1):c.35G>A (p.Arg12His)

Gene: SAMHD1 (SAM and HD domain containing deoxynucleoside triphosphate triphosphohydrolase 1; minus strand). Cytogenetic location: 20q11.23.
Variant type: single nucleotide variant.
Coding change: c.35G>A on transcript NM_015474.4 (MANE Select); coding-DNA position 35, G replaced by A.
Protein change: p.Arg12His; replaces arginine 12 with histidine.
Molecular consequence: missense variant.
Genome position (GRCh38, 1-based): chr20:36,951,609, C>T on the plus strand (G>A on the coding strand, the complement: SAMHD1 is on the minus strand). VCF-style: chr20-36951609-C-T. GRCh37 (hg19) VCF-style: chr20-35580012-C-T.
Other names: c.35G>A, p.Arg12His (NM_001363729.2, NM_001363733.2); short protein forms R12H.
Identifiers: ClinVar variation 1436782 (VCV001436782.6), dbSNP rs2146161012, ClinGen allele CA408833719.